The following is an entry in ClinVar:

ClinVar aggregate classification (germline): Uncertain significance. Review status: criteria provided, multiple submitters, no conflicts (2 of 4 stars). 2 submissions from 2 submitters: Uncertain significance (2). Last evaluated 2022-10-25.

Conditions:
Inborn genetic diseases. Identifiers: MedGen C0950123, MeSH D030342.
Glycogen storage disease IXb (GSD9B). Also called: GLYCOGENOSIS OF LIVER AND MUSCLE, AUTOSOMAL RECESSIVE; GSD IXb; PHOSPHORYLASE KINASE DEFICIENCY OF LIVER AND MUSCLE, AUTOSOMAL RECESSIVE. Identifiers: Orphanet 79240, MedGen C0543514, MONDO:0009868, OMIM 261750.

Allele frequency attached by ClinVar (database versions not stated): gnomAD exomes 0.00001; ExAC 0.00002; gnomAD 0.00002; ESP Exome Variant Server 0.00008; TOPMed 0.00013.
gnomAD v4.1: 16 of 1,614,076 alleles (0.00099%); highest among the groups gnomAD compares: Admixed American, 0.02%; no homozygotes.

Submissions (2):

Ambry Genetics
Classification: Uncertain significance for Inborn genetic diseases. Last evaluated: 2022-10-25. Review status: criteria provided, single submitter. Criteria: Ambry Variant Classification Scheme 2023. Collection method: clinical testing. Allele origin: germline.

Labcorp Genetics (formerly Invitae), Labcorp
Classification: Uncertain significance for Glycogen storage disease IXb. Last evaluated: 2022-08-12. Review status: criteria provided, single submitter. Criteria: Invitae Variant Classification Sherloc (09022015). Collection method: clinical testing. Allele origin: germline.
Comment: This sequence change replaces asparagine, which is neutral and polar, with serine, which is neutral and polar, at codon 1086 of the PHKB protein (p.Asn1086Ser). This variant is present in population databases (rs144657506, gnomAD 0.009%). This variant has not been reported in the literature in individuals affected with PHKB-related conditions. Algorithms developed to predict the effect of missense changes on protein structure and function output the following: SIFT: "Tolerated"; PolyPhen-2: "Benign"; Align-GVGD: "Class C0". The serine amino acid residue is found in multiple mammalian species, which suggests that this missense change does not adversely affect protein function. In summary, the available evidence is currently insufficient to determine the role of this variant in disease. Therefore, it has been classified as a Variant of Uncertain Significance.

NM_000293.3(PHKB):c.3257A>G (p.Asn1086Ser)

Gene: PHKB (phosphorylase kinase regulatory subunit beta; plus strand). Cytogenetic location: 16q12.1.
Variant type: single nucleotide variant.
Coding change: c.3257A>G on transcript NM_000293.3 (MANE Select); coding-DNA position 3257, A replaced by G.
Protein change: p.Asn1086Ser; replaces asparagine 1086 with serine.
Molecular consequence: missense variant.
Genome position (GRCh38, 1-based): chr16:47,699,341, A>G. VCF-style: chr16-47699341-A-G. GRCh37 (hg19) VCF-style: chr16-47733252-A-G.
Other names: c.3236A>G, p.Asn1079Ser (NM_001031835.3); c.3257A>G, p.Asn1086Ser (NM_001363837.1); c.3257A>G (NM_000293.2); short protein forms N1079S, N1086S.
Identifiers: ClinVar variation 2146118 (VCV002146118.2), dbSNP rs144657506, ClinGen allele CA8041493.